The following is an entry in ClinVar:

NM_001845.6(COL4A1):c.1729G>C (p.Gly577Arg)

Gene: COL4A1 (collagen type IV alpha 1 chain; minus strand). Cytogenetic location: 13q34.
Variant type: single nucleotide variant.
Coding change: c.1729G>C on transcript NM_001845.6 (MANE Select); coding-DNA position 1729, G replaced by C.
Protein change: p.Gly577Arg; replaces glycine 577 with arginine.
Molecular consequence: missense variant.
Genome position (GRCh38, 1-based): chr13:110,186,553, C>G on the plus strand (G>C on the coding strand, the complement: COL4A1 is on the minus strand). VCF-style: chr13-110186553-C-G. GRCh37 (hg19) VCF-style: chr13-110838900-C-G.
Other names: short protein forms G577R.
Identifiers: ClinVar variation 931068 (VCV000931068.40), dbSNP rs752009614, ClinGen allele CA256265043.

ClinVar aggregate classification (germline): Conflicting classifications of pathogenicity. Review status: criteria provided, conflicting classifications (1 of 4 stars). 6 submissions from 6 submitters: Likely pathogenic (3); Uncertain significance (3). Last evaluated 2026-08-01.

Conditions:
Brain small vessel disease 1 with or without ocular anomalies (BSVD1). Also called: Brain small vessel disease with or without ocular anomalies; PORENCEPHALY, TYPE 1, AUTOSOMAL DOMINANT; BRAIN SMALL VESSEL DISEASE WITH HEMORRHAGE; GOULD SYNDROME 1. Identifiers: Orphanet 2940, Orphanet 36383, Orphanet 99810, MedGen C4755307, MONDO:0008289, OMIM 175780.

Allele frequency attached by ClinVar (database versions not stated): gnomAD 0.00002; TOPMed 0.00004.

Submissions (6):

CeGaT Center for Human Genetics Tuebingen
Classification: Likely pathogenic. Last evaluated: 2026-08-01. Review status: criteria provided, single submitter. Criteria: CeGaT Center For Human Genetics Tuebingen Variant Classification Criteria Version 2. Collection method: clinical testing. Allele origin: germline. Affected: yes. Observed: 2 variant alleles.
Comment: COL4A1: PM1:Strong, PM2:Supporting, PP3, PS4:Supporting

GeneDx
Classification: Uncertain significance. Last evaluated: 2026-06-17. Review status: criteria provided, single submitter. Criteria: GeneDx Variant Classification Process June 2021. Collection method: clinical testing. Allele origin: germline.
Comment: In silico analysis supports that this missense variant has a deleterious effect on protein structure/function; Has not been previously published as pathogenic or benign to our knowledge; Affects a glycine residue in a Gly-X-Y motif in the triple helical region of the COL4A1 gene

Revvity Omics, Revvity
Classification: Likely pathogenic. Last evaluated: 2024-10-11. Review status: criteria provided, single submitter. Criteria: ACMG Guidelines, 2015. Collection method: clinical testing. Allele origin: germline.

Blueprint Genetics
Classification: Uncertain significance. Last evaluated: 2024-10-08. Review status: criteria provided, single submitter. Criteria: ACMG Guidelines, 2015. Collection method: clinical testing. Allele origin: germline.

Labcorp Genetics (formerly Invitae), Labcorp
Classification: Likely pathogenic. Last evaluated: 2024-10-07. Review status: criteria provided, single submitter. Criteria: Invitae Variant Classification Sherloc (09022015). Collection method: clinical testing. Allele origin: germline.
Comment: This sequence change replaces glycine, which is neutral and non-polar, with arginine, which is basic and polar, at codon 577 of the COL4A1 protein (p.Gly577Arg). This variant is present in population databases (no rsID available, gnomAD 0.004%). This variant has not been reported in the literature in individuals affected with COL4A1-related conditions. ClinVar contains an entry for this variant (Variation ID: 931068). An algorithm developed to predict the effect of missense changes on protein structure and function (PolyPhen-2) suggests that this variant is likely to be tolerated. This variant disrupts the triple helix domain of COL4A1. Glycine residues within the Gly-Xaa-Yaa repeats of the triple helix domain are required for the structure and stability of fibrillar collagens (PMID: 7695699, 8218237, 19344236). In COL4A1 variants affecting these glycine residues are significantly enriched in individuals with disease (PMID: 9016532, 17078022) compared to the general population (ExAC). In summary, the currently available evidence indicates that the variant is pathogenic, but additional data are needed to prove that conclusively. Therefore, this variant has been classified as Likely Pathogenic.

Centre for Mendelian Genomics, University Medical Centre Ljubljana
Classification: Uncertain significance for Brain small vessel disease 1 with or without ocular anomalies. Last evaluated: 2019-05-07. Review status: criteria provided, single submitter. Criteria: ACMG Guidelines, 2015. Collection method: clinical testing. Allele origin: unknown. Affected: yes.
Comment: This variant was classified as: Uncertain significance. The available evidence on this variant's pathogenicity is insufficient or conflicting. The following ACMG criteria were applied in classifying this variant: PM1,PP2,PP3.

Literature cited by the submitters: PubMed 7695699 (cited by Labcorp Genetics (formerly Invitae), Labcorp); PubMed 8218237 (cited by Labcorp Genetics (formerly Invitae), Labcorp); PubMed 19344236 (cited by Labcorp Genetics (formerly Invitae), Labcorp); PubMed 9016532 (cited by Labcorp Genetics (formerly Invitae), Labcorp); PubMed 17078022 (cited by Labcorp Genetics (formerly Invitae), Labcorp).